The following is an entry in ClinVar:

NM_032119.4(ADGRV1):c.13336G>A (p.Gly4446Arg)

Gene: ADGRV1 (adhesion G protein-coupled receptor V1; plus strand). Cytogenetic location: 5q14.3.
Variant type: single nucleotide variant.
Coding change: c.13336G>A on transcript NM_032119.4 (MANE Select); coding-DNA position 13336, G replaced by A.
Protein change: p.Gly4446Arg; replaces glycine 4446 with arginine.
Molecular consequence: missense variant. On other transcripts: non-coding transcript variant (1).
Genome position (GRCh38, 1-based): chr5:90,783,228, G>A. VCF-style: chr5-90783228-G-A. GRCh37 (hg19) VCF-style: chr5-90079045-G-A.
Other names: short protein forms G4446R.
Identifiers: ClinVar variation 179452 (VCV000179452.20), dbSNP rs542716344, ClinGen allele CA184444.

ClinVar aggregate classification (germline): Likely benign. Review status: criteria provided, multiple submitters, no conflicts (2 of 4 stars). 6 submissions from 6 submitters: Likely benign (6). Last evaluated 2026-02-02.

Conditions:
ADGRV1-related disorder. Also called: ADGRV1-related condition; ADGRV1-related disorders.
Inborn genetic diseases. Identifiers: MedGen C0950123, MeSH D030342.

Allele frequency attached by ClinVar (database versions not stated): TOPMed 0.00005; gnomAD 0.00013 and 0.00002; gnomAD exomes 0.00043; ExAC 0.00046; 1000 Genomes Project 30x 0.00078; 1000 Genomes Project 0.00080.
gnomAD v4.1: 344 of 1,613,500 alleles (0.021%); highest among the groups gnomAD compares: South Asian, 0.33%; 1 homozygote.

Submissions (6):

Labcorp Genetics (formerly Invitae), Labcorp
Classification: Likely benign. Last evaluated: 2026-02-02. Review status: criteria provided, single submitter. Criteria: Invitae Variant Classification Sherloc (09022015). Collection method: clinical testing. Allele origin: germline.

PreventionGenetics, part of Exact Sciences
Classification: Likely benign for ADGRV1-related condition. Last evaluated: 2025-06-09. Review status: criteria provided, single submitter. Criteria: ACMG Guidelines, 2015. Collection method: clinical testing. Allele origin: germline.
Comment: This variant is classified as likely benign based on ACMG/AMP sequence variant interpretation guidelines (Richards et al. 2015 PMID: 25741868, with internal and published modifications).

Blueprint Genetics
Classification: Likely benign. Last evaluated: 2024-10-18. Review status: criteria provided, single submitter. Criteria: ACMG Guidelines, 2015. Collection method: clinical testing. Allele origin: germline.

Ambry Genetics
Classification: Likely benign for Inborn genetic diseases. Last evaluated: 2024-05-28. Review status: criteria provided, single submitter. Criteria: Ambry Variant Classification Scheme 2023. Collection method: clinical testing. Allele origin: germline.

GeneDx
Classification: Likely benign. Last evaluated: 2019-06-13. Review status: criteria provided, single submitter. Criteria: GeneDx Variant Classification Process June 2021. Collection method: clinical testing. Allele origin: germline. Affected: yes.

Laboratory for Molecular Medicine, Mass General Brigham Personalized Medicine
Classification: Likely benign. Last evaluated: 2016-03-22. Review status: criteria provided, single submitter. Criteria: LMM Criteria. Collection method: clinical testing. Allele origin: germline. Observed: 4 variant alleles.
Comment: p.Gly4446Arg in exon 66 of GPR98: This variant is not expected to have clinical significance because it has been identified in 0.3% (51/16508) of South Asian c hromosomes including one homozygote by the Exome Aggregation Consortium (ExAC; dbSNP rs542716344).